The following is an entry in ClinVar:

ClinVar aggregate classification (germline): Uncertain significance. Review status: criteria provided, multiple submitters, no conflicts (2 of 4 stars). 2 submissions from 2 submitters: Uncertain significance (2). Last evaluated 2025-10-14.

Allele frequency attached by ClinVar (database versions not stated): gnomAD exomes below 0.00001; TOPMed 0.00002.
gnomAD v4.1: 1 of 1,614,152 alleles (0.000062%); highest among the groups gnomAD compares: Non-Finnish European, 0.000085%; no homozygotes.

Submissions (2):

Ambry Genetics
Classification: Uncertain significance. Last evaluated: 2025-10-14. Review status: criteria provided, single submitter. Criteria: Ambry Variant Classification Scheme 2023. Collection method: clinical testing. Allele origin: germline.

Labcorp Genetics (formerly Invitae), Labcorp
Classification: Uncertain significance. Last evaluated: 2024-07-13. Review status: criteria provided, single submitter. Criteria: Invitae Variant Classification Sherloc (09022015). Collection method: clinical testing. Allele origin: germline.
Comment: This sequence change replaces glycine, which is neutral and non-polar, with arginine, which is basic and polar, at codon 586 of the BACH2 protein (p.Gly586Arg). This variant is not present in population databases (gnomAD no frequency). This variant has not been reported in the literature in individuals affected with BACH2-related conditions. ClinVar contains an entry for this variant (Variation ID: 2009768). Advanced modeling of protein sequence and biophysical properties (such as structural, functional, and spatial information, amino acid conservation, physicochemical variation, residue mobility, and thermodynamic stability) performed at Invitae indicates that this missense variant is not expected to disrupt BACH2 protein function with a negative predictive value of 80%. In summary, the available evidence is currently insufficient to determine the role of this variant in disease. Therefore, it has been classified as a Variant of Uncertain Significance.

NM_021813.4(BACH2):c.1756G>A (p.Gly586Arg)

Gene: BACH2 (BACH transcriptional regulator 2; minus strand). Cytogenetic location: 6q15.
Variant type: single nucleotide variant.
Coding change: c.1756G>A on transcript NM_021813.4 (MANE Select); coding-DNA position 1756, G replaced by A.
Protein change: p.Gly586Arg; replaces glycine 586 with arginine.
Molecular consequence: missense variant.
Genome position (GRCh38, 1-based): chr6:89,950,350, C>T on the plus strand (G>A on the coding strand, the complement: BACH2 is on the minus strand). VCF-style: chr6-89950350-C-T. GRCh37 (hg19) VCF-style: chr6-90660069-C-T.
Other names: c.1756G>A (NM_021813.2); c.1756G>A, p.Gly586Arg (NM_001170794.2); short protein forms G586R.
Identifiers: ClinVar variation 2009768 (VCV002009768.5), dbSNP rs1774001093, ClinGen allele CA365070150.